The following is an entry in ClinVar:

NM_001330288.2(SMARCC2):c.3220C>A (p.Pro1074Thr)

Gene: SMARCC2 (SWI/SNF related BAF chromatin remodeling complex subunit C2; minus strand). Cytogenetic location: 12q13.2.
Variant type: single nucleotide variant.
Coding change: c.3220C>A on transcript NM_001330288.2 (MANE Select); coding-DNA position 3220, C replaced by A.
Protein change: p.Pro1074Thr; replaces proline 1074 with threonine.
Molecular consequence: missense variant.
Genome position (GRCh38, 1-based): chr12:56,165,330, G>T on the plus strand (C>A on the coding strand, the complement: SMARCC2 is on the minus strand). VCF-style: chr12-56165330-G-T. GRCh37 (hg19) VCF-style: chr12-56559114-G-T.
Other names: c.3220C>A, p.Pro1074Thr (NM_001130420.3, NM_139067.4); c.3127C>A, p.Pro1043Thr (NM_003075.5); c.3127C>A (NM_003075.3); short protein forms P1043T, P1074T.
Identifiers: ClinVar variation 3051798 (VCV003051798.4), dbSNP rs144685761, ClinGen allele CA6625619.

ClinVar aggregate classification (germline): Likely benign. Review status: criteria provided, multiple submitters, no conflicts (2 of 4 stars). 3 submissions from 3 submitters: Likely benign (2). 1 of the submissions does not count toward it. Last evaluated 2025-02-16.

Conditions:
SMARCC2-related disorder. Also called: SMARCC2-related condition.
Inborn genetic diseases. Identifiers: MedGen C0950123, MeSH D030342.

Allele frequency attached by ClinVar (database versions not stated): ESP Exome Variant Server 0.00024; 1000 Genomes Project 30x 0.00078; 1000 Genomes Project 0.00080.
gnomAD v4.1: 120 of 1,494,920 alleles (0.008%); highest among the groups gnomAD compares: East Asian, 0.067%; no homozygotes.

Submissions (3):

Laboratory of Genetics, Children's Clinical University Hospital Latvia
Classification: Likely benign. Last evaluated: 2025-02-16. Review status: criteria provided, single submitter. Criteria: ACMG Guidelines, 2015. Collection method: clinical testing. Allele origin: germline. Affected: yes.

Ambry Genetics
Classification: Likely benign for Inborn genetic diseases. Last evaluated: 2024-02-12. Review status: criteria provided, single submitter. Criteria: Ambry Variant Classification Scheme 2023. Collection method: clinical testing. Allele origin: germline.

PreventionGenetics, part of Exact Sciences
Classification: Likely benign for SMARCC2-related condition. Last evaluated: 2020-02-05. Review status: no assertion criteria provided. Collection method: clinical testing. Allele origin: germline. Not counted in ClinVar's aggregate classification.
Comment: This variant is classified as likely benign based on ACMG/AMP sequence variant interpretation guidelines (Richards et al. 2015 PMID: 25741868, with internal and published modifications).